The following is an entry in ClinVar:

ClinVar aggregate classification (germline): Uncertain significance (1 of 4 stars; one submission).

Conditions:
Hyperkalemic periodic paralysis. Also called: Familial hyperkalemic periodic paralysis; Gamstorp disease. Identifiers: Orphanet 682, MedGen C0238357, MONDO:0008224, OMIM 170500, HP:0007215.

Allele frequency attached by ClinVar (database versions not stated): gnomAD exomes below 0.00001.
gnomAD v4.1: 1 of 1,614,044 alleles (0.000062%); highest among the groups gnomAD compares: Admixed American, 0.0017%; no homozygotes.

Submission:

Labcorp Genetics (formerly Invitae), Labcorp
Classification: Uncertain significance for Hyperkalemic periodic paralysis. Last evaluated: 2022-07-19. Review status: criteria provided, single submitter. Criteria: Invitae Variant Classification Sherloc (09022015). Collection method: clinical testing. Allele origin: germline.
Comment: This sequence change replaces tyrosine, which is neutral and polar, with cysteine, which is neutral and slightly polar, at codon 1410 of the SCN4A protein (p.Tyr1410Cys). This variant is not present in population databases (gnomAD no frequency). This variant has not been reported in the literature in individuals affected with SCN4A-related conditions. ClinVar contains an entry for this variant (Variation ID: 1345620). Algorithms developed to predict the effect of missense changes on protein structure and function (SIFT, PolyPhen-2, Align-GVGD) all suggest that this variant is likely to be disruptive. In summary, the available evidence is currently insufficient to determine the role of this variant in disease. Therefore, it has been classified as a Variant of Uncertain Significance.

NM_000334.4(SCN4A):c.4229A>G (p.Tyr1410Cys)

Genes: GH-LCR (growth hormone locus control region; plus strand), SCN4A (sodium voltage-gated channel alpha subunit 4; minus strand). Cytogenetic location: 17q23.3.
Variant type: single nucleotide variant.
Coding change: c.4229A>G on transcript NM_000334.4 (MANE Select); coding-DNA position 4229, A replaced by G.
Protein change: p.Tyr1410Cys; replaces tyrosine 1410 with cysteine.
Molecular consequence: missense variant.
Genome position (GRCh38, 1-based): chr17:63,942,885, T>C on the plus strand (A>G on the coding strand, the complement: SCN4A is on the minus strand). VCF-style: chr17-63942885-T-C. GRCh37 (hg19) VCF-style: chr17-62020245-T-C.
Other names: short protein forms Y1410C.
Identifiers: ClinVar variation 1345620 (VCV001345620.6), dbSNP rs2144776160, ClinGen allele CA400616442.